The following is an entry in ClinVar:

ClinVar aggregate classification (germline): Conflicting classifications of pathogenicity. Review status: criteria provided, conflicting classifications (1 of 4 stars). 3 submissions from 3 submitters: Uncertain significance (2); Likely benign (1). Last evaluated 2025-11-17.

Conditions:
Inborn genetic diseases. Identifiers: MedGen C0950123, MeSH D030342.

Allele frequency attached by ClinVar (database versions not stated): ESP Exome Variant Server 0.00008.
gnomAD v4.1: 312 of 1,613,928 alleles (0.019%); highest among the groups gnomAD compares: Non-Finnish European, 0.024%; no homozygotes.

Submissions (3):

Labcorp Genetics (formerly Invitae), Labcorp
Classification: Uncertain significance. Last evaluated: 2025-11-17. Review status: criteria provided, single submitter. Criteria: Invitae Variant Classification Sherloc (09022015). Collection method: clinical testing. Allele origin: germline.
Comment: This sequence change replaces phenylalanine, which is neutral and non-polar, with leucine, which is neutral and non-polar, at codon 437 of the ALPK1 protein (p.Phe437Leu). This variant is present in population databases (rs145906942, gnomAD 0.02%). This variant has not been reported in the literature in individuals affected with ALPK1-related conditions. ClinVar contains an entry for this variant (Variation ID: 2364596). Invitae Evidence Modeling of protein sequence and biophysical properties (such as structural, functional, and spatial information, amino acid conservation, physicochemical variation, residue mobility, and thermodynamic stability) indicates that this missense variant is expected to disrupt ALPK1 protein function with a positive predictive value of 80%. In summary, the available evidence is currently insufficient to determine the role of this variant in disease. Therefore, it has been classified as a Variant of Uncertain Significance.

Women's Health and Genetics/Laboratory Corporation of America, LabCorp
Classification: Likely benign. Last evaluated: 2025-05-28. Review status: criteria provided, single submitter. Criteria: LabCorp Variant Classification Summary - May 2015. Collection method: clinical testing. Allele origin: germline.
Comment: Variant summary: ALPK1 c.1311C>G (p.Phe437Leu) results in a non-conservative amino acid change in the encoded protein sequence. Algorithms developed to predict the effect of missense changes on protein structure and function are either unavailable or do not agree on the potential impact of this missense change. The variant allele was found at a frequency of 0.0001 in 250944 control chromosomes. The observed variant frequency is approximately 165.77 fold of the estimated maximal expected allele frequency for a pathogenic variant in ALPK1 causing Retinal dystrophy, optic nerve edema, splenomegaly, anhidrosis, and migraine headache syndrome phenotype (6.3e-07). To our knowledge, no occurrence of c.1311C>G in individuals affected with Retinal dystrophy, optic nerve edema, splenomegaly, anhidrosis, and migraine headache syndrome and no experimental evidence demonstrating its impact on protein function have been reported. ClinVar contains an entry for this variant (Variation ID: 2364596). Based on the evidence outlined above, the variant was classified as likely benign.

Ambry Genetics
Classification: Uncertain significance for Inborn genetic diseases. Last evaluated: 2025-01-16. Review status: criteria provided, single submitter. Criteria: Ambry Variant Classification Scheme 2023. Collection method: clinical testing. Allele origin: germline.

NM_025144.4(ALPK1):c.1311C>G (p.Phe437Leu)

Gene: ALPK1 (alpha kinase 1; plus strand). Cytogenetic location: 4q25.
Variant type: single nucleotide variant.
Coding change: c.1311C>G on transcript NM_025144.4 (MANE Select); coding-DNA position 1311, C replaced by G.
Protein change: p.Phe437Leu; replaces phenylalanine 437 with leucine.
Molecular consequence: missense variant.
Genome position (GRCh38, 1-based): chr4:112,430,858, C>G. VCF-style: chr4-112430858-C-G. GRCh37 (hg19) VCF-style: chr4-113352014-C-G.
Other names: c.1311C>G, p.Phe437Leu (NM_001102406.2); c.1077C>G, p.Phe359Leu (NM_001253884.2); short protein forms F359L, F437L.
Identifiers: ClinVar variation 2364596 (VCV002364596.7), dbSNP rs145906942, ClinGen allele CA3046703.